The following is an entry in ClinVar:

ClinVar aggregate classification (germline): Uncertain significance (1 of 4 stars; one submission).

Conditions:
Diastrophic dysplasia (DTD). Also called: Diastrophic dwarfism. Identifiers: Orphanet 628, MedGen C0220726, MONDO:0009107, OMIM 222600.
Multiple epiphyseal dysplasia type 4 (EDM4). Also called: Multiple Epiphyseal Dysplasia, Recessive; MULTIPLE EPIPHYSEAL DYSPLASIA WITH BILAYERED PATELLAE; MULTIPLE EPIPHYSEAL DYSPLASIA WITH CLUBFOOT; MULTIPLE EPIPHYSEAL DYSPLASIA, AUTOSOMAL RECESSIVE; SLC26A2-Related Multiple Epiphyseal Dysplasia. Identifiers: Orphanet 93307, MedGen C1847593, MONDO:0009189, OMIM 226900.
Achondrogenesis, type IB (ACG1B). Also called: Achondrogenesis Type 1B. Identifiers: Orphanet 932, Orphanet 93298, MedGen C0265274, MONDO:0010966, OMIM 600972.
Atelosteogenesis type II (AO2). Also called: NEONATAL OSSEOUS DYSPLASIA I; Neonatal osseous dysplasia 1; SLC26A2-Related Atelosteogenesis. Identifiers: Orphanet 56304, MedGen C1850554, MONDO:0009727, OMIM 256050.

gnomAD v4.1: 1 of 1,614,142 alleles (0.000062%); highest among the groups gnomAD compares: Non-Finnish European, 0.000085%; no homozygotes.

Submission:

Labcorp Genetics (formerly Invitae), Labcorp
Classification: Uncertain significance for Atelosteogenesis type II; Multiple epiphyseal dysplasia type 4; Achondrogenesis, type IB; Diastrophic dysplasia. Last evaluated: 2024-11-02. Review status: criteria provided, single submitter. Criteria: Invitae Variant Classification Sherloc (09022015). Collection method: clinical testing. Allele origin: germline.
Comment: This sequence change replaces valine, which is neutral and non-polar, with phenylalanine, which is neutral and non-polar, at codon 533 of the SLC26A2 protein (p.Val533Phe). This variant is not present in population databases (gnomAD no frequency). This variant has not been reported in the literature in individuals affected with SLC26A2-related conditions. Invitae Evidence Modeling of protein sequence and biophysical properties (such as structural, functional, and spatial information, amino acid conservation, physicochemical variation, residue mobility, and thermodynamic stability) indicates that this missense variant is not expected to disrupt SLC26A2 protein function with a negative predictive value of 80%. In summary, the available evidence is currently insufficient to determine the role of this variant in disease. Therefore, it has been classified as a Variant of Uncertain Significance.

NM_000112.4(SLC26A2):c.1597G>T (p.Val533Phe)

Gene: SLC26A2 (solute carrier family 26 member 2; plus strand). Cytogenetic location: 5q32.
Variant type: single nucleotide variant.
Coding change: c.1597G>T on transcript NM_000112.4 (MANE Select); coding-DNA position 1597, G replaced by T.
Protein change: p.Val533Phe; replaces valine 533 with phenylalanine.
Molecular consequence: missense variant.
Genome position (GRCh38, 1-based): chr5:149,981,190, G>T. VCF-style: chr5-149981190-G-T. GRCh37 (hg19) VCF-style: chr5-149360753-G-T.
Other names: short protein forms V533F.
Identifiers: ClinVar variation 3748489 (VCV003748489.2).